The following is an entry in ClinVar:

NM_001098.3(ACO2):c.1271G>A (p.Arg424His)

Gene: ACO2 (aconitase 2; plus strand). Cytogenetic location: 22q13.2.
Variant type: single nucleotide variant.
Coding change: c.1271G>A on transcript NM_001098.3 (MANE Select); coding-DNA position 1271, G replaced by A.
Protein change: p.Arg424His; replaces arginine 424 with histidine.
Molecular consequence: missense variant.
Genome position (GRCh38, 1-based): chr22:41,522,962, G>A. VCF-style: chr22-41522962-G-A. GRCh37 (hg19) VCF-style: chr22-41918966-G-A.
Other names: short protein forms R424H.
Identifiers: ClinVar variation 4701940 (VCV004701940.2).

ClinVar aggregate classification (germline): Uncertain significance. Review status: criteria provided, multiple submitters, no conflicts (2 of 4 stars). 2 submissions from 2 submitters: Uncertain significance (2). Last evaluated 2025-11-18.

gnomAD v4.1: 18 of 1,614,206 alleles (0.0011%); highest among the groups gnomAD compares: Admixed American, 0.0033%; no homozygotes.

Submissions (2):

Labcorp Genetics (formerly Invitae), Labcorp
Classification: Uncertain significance. Last evaluated: 2025-11-18. Review status: criteria provided, single submitter. Criteria: Invitae Variant Classification Sherloc (09022015). Collection method: clinical testing. Allele origin: germline.
Comment: This sequence change replaces arginine, which is basic and polar, with histidine, which is basic and polar, at codon 424 of the ACO2 protein (p.Arg424His). This variant is present in population databases (rs752600434, gnomAD 0.009%). This variant has not been reported in the literature in individuals affected with ACO2-related conditions. Invitae Evidence Modeling of protein sequence and biophysical properties (such as structural, functional, and spatial information, amino acid conservation, physicochemical variation, residue mobility, and thermodynamic stability) indicates that this missense variant is not expected to disrupt ACO2 protein function with a negative predictive value of 80%. In summary, the available evidence is currently insufficient to determine the role of this variant in disease. Therefore, it has been classified as a Variant of Uncertain Significance.

Blueprint Genetics
Classification: Uncertain significance. Last evaluated: 2022-12-08. Review status: criteria provided, single submitter. Criteria: ACMG Guidelines, 2015. Collection method: clinical testing. Allele origin: germline.